The following is an entry in ClinVar:

ClinVar aggregate classification (germline): Uncertain significance. Review status: criteria provided, multiple submitters, no conflicts (2 of 4 stars). 2 submissions from 2 submitters: Uncertain significance (2). Last evaluated 2025-06-03.

Allele frequency attached by ClinVar (database versions not stated): TOPMed 0.00002; ExAC 0.00005; gnomAD 0.00001; gnomAD exomes 0.00002.
gnomAD v4.1: 15 of 1,572,896 alleles (0.00095%); highest among the groups gnomAD compares: Admixed American, 0.024%; no homozygotes.

Submissions (2):

Labcorp Genetics (formerly Invitae), Labcorp
Classification: Uncertain significance. Last evaluated: 2025-06-03. Review status: criteria provided, single submitter. Criteria: Invitae Variant Classification Sherloc (09022015). Collection method: clinical testing. Allele origin: germline.
Comment: This sequence change replaces threonine, which is neutral and polar, with alanine, which is neutral and non-polar, at codon 356 of the KLC2 protein (p.Thr356Ala). This variant is present in population databases (rs763574949, gnomAD 0.03%). This variant has not been reported in the literature in individuals affected with KLC2-related conditions. ClinVar contains an entry for this variant (Variation ID: 2219516). An algorithm developed to predict the effect of missense changes on protein structure and function outputs the following: PolyPhen-2: "Benign". The alanine amino acid residue is found in multiple mammalian species, which suggests that this missense change does not adversely affect protein function. In summary, the available evidence is currently insufficient to determine the role of this variant in disease. Therefore, it has been classified as a Variant of Uncertain Significance.

Ambry Genetics
Classification: Uncertain significance. Last evaluated: 2022-09-06. Review status: criteria provided, single submitter. Criteria: Ambry Variant Classification Scheme 2023. Collection method: clinical testing. Allele origin: germline.

NM_001318734.2(KLC2):c.1066A>G (p.Thr356Ala)

Genes: KLC2 (kinesin light chain 2; plus strand), KLC2-AS1 (KLC2 antisense RNA 1; minus strand). Cytogenetic location: 11q13.2.
Variant type: single nucleotide variant.
Coding change: c.1066A>G on transcript NM_001318734.2 (MANE Select); coding-DNA position 1066, A replaced by G.
Protein change: p.Thr356Ala; replaces threonine 356 with alanine.
Molecular consequence: missense variant.
Genome position (GRCh38, 1-based): chr11:66,264,169, A>G. VCF-style: chr11-66264169-A-G. GRCh37 (hg19) VCF-style: chr11-66031640-A-G.
Other names: c.835A>G, p.Thr279Ala (NM_001134774.2); c.1066A>G, p.Thr356Ala (NM_001134775.2, NM_001134776.2, NM_022822.3); short protein forms T356A, T279A.
Identifiers: ClinVar variation 2219516 (VCV002219516.3), dbSNP rs763574949, ClinGen allele CA6117277.